The following is an entry in ClinVar:

ClinVar aggregate classification (germline): Benign/Likely benign. Review status: criteria provided, multiple submitters, no conflicts (2 of 4 stars). 5 submissions from 5 submitters: Benign (1); Likely benign (4). Last evaluated 2026-02-03.

Allele frequency attached by ClinVar (database versions not stated): gnomAD exomes 0.00079; ExAC 0.00158; gnomAD 0.00304 and 0.00329; 1000 Genomes Project 0.00319; TOPMed 0.00324; 1000 Genomes Project 30x 0.00359; ESP Exome Variant Server 0.00438.
gnomAD v4.1: 851 of 1,597,692 alleles (0.053%); highest among the groups gnomAD compares: African/African-American, 1%; 5 homozygotes.

Submissions (5):

Labcorp Genetics (formerly Invitae), Labcorp
Classification: Benign. Last evaluated: 2026-02-03. Review status: criteria provided, single submitter. Criteria: Invitae Variant Classification Sherloc (09022015). Collection method: clinical testing. Allele origin: germline.

Mayo Clinic Laboratories, Mayo Clinic
Classification: Likely benign. Last evaluated: 2025-07-14. Review status: criteria provided, single submitter. Criteria: ACMG Guidelines, 2015. Collection method: clinical testing. Allele origin: germline. Observed: 1 variant allele.
Comment: BA1, BS2

Blueprint Genetics
Classification: Likely benign. Last evaluated: 2024-07-22. Review status: criteria provided, single submitter. Criteria: ACMG Guidelines, 2015. Collection method: clinical testing. Allele origin: germline.

GeneDx
Classification: Likely benign. Last evaluated: 2018-08-25. Review status: criteria provided, single submitter. Criteria: GeneDx Variant Classification Process June 2021. Collection method: clinical testing. Allele origin: germline. Affected: yes.

Breakthrough Genomics
Classification: Likely benign. Review status: criteria provided, single submitter. Criteria: ACMG Guidelines, 2015. Collection method: not provided. Allele origin: germline. Inheritance: Autosomal dominant inheritance. Affected: yes.

NM_172362.3(KCNH1):c.1463-14C>G

Gene: KCNH1 (potassium voltage-gated channel subfamily H member 1; minus strand). Cytogenetic location: 1q32.2.
Variant type: single nucleotide variant.
Coding change: c.1463-14C>G on transcript NM_172362.3 (MANE Select); 14 bases into the intron before coding-DNA position 1463, C replaced by G.
Molecular consequence: intron variant.
Genome position (GRCh38, 1-based): chr1:210,804,180, G>C on the plus strand (C>G on the coding strand, the complement: KCNH1 is on the minus strand). VCF-style: chr1-210804180-G-C. GRCh37 (hg19) VCF-style: chr1-210977522-G-C.
Other names: p.?; c.1382-14C>G (NM_002238.4).
Identifiers: ClinVar variation 1189138 (VCV001189138.13), dbSNP rs115279651, ClinGen allele CA1379869.
Genomic context (GRCh38, chr1:210,804,180, plus strand): 5'-TTGGAAAATAGTCGTCACATTCCCGAAGATGGTGGCATAGAGAAGTGCTAGAGGTGAGGA[G>C]GAGGAGCAAAAGAAGAAATAACAAGTTAGTGGTCCCTGAGCCAGGGTTCCAGAATGCTCA-3'